The following is an entry in ClinVar:

ClinVar aggregate classification (germline): Pathogenic (1 of 4 stars; one submission).

Conditions:
Finnish congenital nephrotic syndrome (NPHS1). Also called: NEPHROTIC SYNDROME, TYPE 1. Identifiers: Orphanet 839, MedGen C0403399, MONDO:0009732, OMIM 256300.

Submission:

Myriad Genetics, Inc.
Classification: Pathogenic for Finnish congenital nephrotic syndrome. Last evaluated: 2023-09-27. Review status: criteria provided, single submitter. Criteria: Myriad Autosomal Dominant, Autosomal Recessive and X-Linked Classification Criteria (2023). Collection method: clinical testing. Allele origin: unknown.
Comment: NM_004646.3(NPHS1):c.2638dupG(V880Gfs*63) is expected to be pathogenic in the context of nephrotic syndrome, NPHS1-related. This variant is predicted to lead to an abnormal or absent protein product due to the creation of a premature termination codon in NPHS1, a gene where loss-of-function variants are known to be pathogenic. Please note: this variant was assessed in the context of healthy population screening.

NM_004646.4(NPHS1):c.2638dup (p.Val880fs)

Gene: NPHS1 (NPHS1 adhesion molecule, nephrin; minus strand). Cytogenetic location: 19q13.12.
Variant type: Duplication.
Coding change: c.2638dup on transcript NM_004646.4 (MANE Select); coding-DNA position 2638, one base duplicated (G; older notation c.2638dupG).
Protein change: p.Val880fs; shifts the reading frame from valine 880.
Molecular consequence: frameshift variant.
Genome position (GRCh38, 1-based): chr19:35,842,149, C duplicated on the plus strand (G on the coding strand, the reverse complement: NPHS1 is on the minus strand); the first of 4 consecutive C bases (chr19:35,842,149-35,842,152); duplicating any one gives the same sequence. VCF-style (leftmost placement, unchanged base first): chr19-35842148-A-AC. GRCh37 (hg19) VCF-style: chr19-36333050-A-AC.
Other names: short protein forms V880fs.
Identifiers: ClinVar variation 5011829 (VCV005011829.1).